The following is an entry in ClinVar:

ClinVar aggregate classification (germline): Uncertain significance. Review status: criteria provided, multiple submitters, no conflicts (2 of 4 stars). 3 submissions from 3 submitters: Uncertain significance (3). Last evaluated 2025-11-08.

Conditions:
Inborn genetic diseases. Identifiers: MedGen C0950123, MeSH D030342.

Allele frequency attached by ClinVar (database versions not stated): gnomAD exomes 0.00001; TOPMed 0.00001; gnomAD 0.00003.
gnomAD v4.1: 20 of 1,613,810 alleles (0.0012%); highest among the groups gnomAD compares: Admixed American, 0.0017%; no homozygotes.

Submissions (3):

Ambry Genetics
Classification: Uncertain significance for Inborn genetic diseases. Last evaluated: 2025-11-08. Review status: criteria provided, single submitter. Criteria: Ambry Variant Classification Scheme 2023. Collection method: clinical testing. Allele origin: germline.

Blueprint Genetics
Classification: Uncertain significance. Last evaluated: 2023-11-21. Review status: criteria provided, single submitter. Criteria: ACMG Guidelines, 2015. Collection method: clinical testing. Allele origin: germline.

Labcorp Genetics (formerly Invitae), Labcorp
Classification: Uncertain significance. Last evaluated: 2023-08-04. Review status: criteria provided, single submitter. Criteria: Invitae Variant Classification Sherloc (09022015). Collection method: clinical testing. Allele origin: germline.
Comment: An algorithm developed to predict the effect of missense changes on protein structure and function (PolyPhen-2) suggests that this variant is likely to be disruptive. ClinVar contains an entry for this variant (Variation ID: 1352493). In summary, the available evidence is currently insufficient to determine the role of this variant in disease. Therefore, it has been classified as a Variant of Uncertain Significance. This sequence change replaces proline, which is neutral and non-polar, with leucine, which is neutral and non-polar, at codon 746 of the OBSL1 protein (p.Pro746Leu). This variant is present in population databases (no rsID available, gnomAD 0.003%). This variant has not been reported in the literature in individuals affected with OBSL1-related conditions.

NM_015311.3(OBSL1):c.2237C>T (p.Pro746Leu)

Gene: OBSL1 (obscurin like cytoskeletal adaptor 1; minus strand). Cytogenetic location: 2q35.
Variant type: single nucleotide variant.
Coding change: c.2237C>T on transcript NM_015311.3 (MANE Select); coding-DNA position 2237, C replaced by T.
Protein change: p.Pro746Leu; replaces proline 746 with leucine.
Molecular consequence: missense variant.
Genome position (GRCh38, 1-based): chr2:219,565,412, G>A on the plus strand (C>T on the coding strand, the complement: OBSL1 is on the minus strand). VCF-style: chr2-219565412-G-A. GRCh37 (hg19) VCF-style: chr2-220430134-G-A.
Other names: c.2237C>T (NM_015311.2); c.2237C>T, p.Pro746Leu (NM_001173408.2, NM_001173431.2); short protein forms P746L.
Identifiers: ClinVar variation 1352493 (VCV001352493.8), dbSNP rs868812326, ClinGen allele CA66034933.